The following is an entry in ClinVar:

NM_001326411.2(PISD):c.410G>A (p.Arg137Lys)

Gene: PISD (phosphatidylserine decarboxylase; minus strand). Cytogenetic location: 22q12.2.
Variant type: single nucleotide variant.
Coding change: c.410G>A on transcript NM_001326411.2 (MANE Select); coding-DNA position 410, G replaced by A.
Protein change: p.Arg137Lys; replaces arginine 137 with lysine.
Molecular consequence: missense variant.
Genome position (GRCh38, 1-based): chr22:31,621,797, C>T on the plus strand (G>A on the coding strand, the complement: PISD is on the minus strand). VCF-style: chr22-31621797-C-T. GRCh37 (hg19) VCF-style: chr22-32017783-C-T.
Other names: c.347G>A, p.Arg116Lys (NM_001326412.1, NM_001326413.2, NM_001326414.2); c.308G>A, p.Arg103Lys (NM_001326415.2, NM_001326416.2, NM_001326417.2 and 3 more transcripts); c.230G>A, p.Arg77Lys (NM_001326418.2, NM_001326420.2); c.410G>A, p.Arg137Lys (NM_001326421.1); short protein forms R116K, R103K, R137K, R77K.
Identifiers: ClinVar variation 1906462 (VCV001906462.5), dbSNP rs749448875, ClinGen allele CA10194808.
Genomic context (GRCh38, chr22:31,621,797, plus strand): 5'-TCCACAGCGGCCTCTTTCATGTTCACCCCAAACGTCCAGATGTACAGGCTGTAGACGGGC[C>T]TGCGCAGCCAGTGTGGCAGCTCCACCTGATTGAGGCGACCCCAGGCCCGTGACAGCAAGC-3'
Protein context (NP_001313340.1, residues 127-147): NQVELPHWLR[Arg137Lys]PVYSLYIWTF

ClinVar aggregate classification (germline): Uncertain significance (1 of 4 stars; one submission).

Allele frequency attached by ClinVar (database versions not stated): gnomAD exomes below 0.00001; TOPMed below 0.00001; ExAC 0.00001; gnomAD 0.00001.
gnomAD v4.1: 2 of 1,613,768 alleles (0.00012%); highest among the groups gnomAD compares: African/African-American, 0.0027%; no homozygotes.

Submission:

Labcorp Genetics (formerly Invitae), Labcorp
Classification: Uncertain significance. Last evaluated: 2022-08-19. Review status: criteria provided, single submitter. Criteria: Invitae Variant Classification Sherloc (09022015). Collection method: clinical testing. Allele origin: germline.
Comment: This sequence change replaces arginine, which is basic and polar, with lysine, which is basic and polar, at codon 137 of the PISD protein (p.Arg137Lys). This variant is present in population databases (rs749448875, gnomAD 0.007%). This variant has not been reported in the literature in individuals affected with PISD-related conditions. Algorithms developed to predict the effect of missense changes on protein structure and function output the following: SIFT: "Not Available"; PolyPhen-2: "Benign"; Align-GVGD: "Not Available". The lysine amino acid residue is found in multiple mammalian species, which suggests that this missense change does not adversely affect protein function. In summary, the available evidence is currently insufficient to determine the role of this variant in disease. Therefore, it has been classified as a Variant of Uncertain Significance.